The following is an entry in ClinVar:

ClinVar aggregate classification (germline): Likely benign (1 of 4 stars; one submission).

Conditions:
Glycogen storage disease, type II (IOPD). Also called: Pompe Disease; CARDIOMEGALIA GLYCOGENICA DIFFUSA; GLYCOGENOSIS, GENERALIZED, CARDIAC FORM; GSD II; POMPE DISEASE, INFANTILE-ONSET; GLYCOGEN STORAGE DISEASE II, INFANTILE-ONSET. Identifiers: Orphanet 365, MedGen C0017921, MONDO:0009290, OMIM 232300.

gnomAD v4.1: 340 of 152,278 alleles (0.22%); highest among the groups gnomAD compares: East Asian, 5.9%; 16 homozygotes.

Submission:

Genomenon, Inc
Classification: Likely benign for Glycogen storage disease, type II. Last evaluated: 2026-07-01. Review status: criteria provided, single submitter. Criteria: Genomenon Sequence Variant Interpretation Standards - Updated. Collection method: curation. Allele origin: germline. Affected: no.
Comment: GAA c.1327-209C>T is an intronic variant located in intron 8. This variant has been reported in the published literature (PMID:33560568). This variant is not predicted to impact splicing. In conclusion, we classify GAA c.1327-209C>T as a likely benign variant.

Literature cited by the submitters: PubMed 33560568.

NM_000152.5(GAA):c.1327-209C>T

Gene: GAA (alpha glucosidase; plus strand). Cytogenetic location: 17q25.3.
Variant type: single nucleotide variant.
Coding change: c.1327-209C>T on transcript NM_000152.5 (MANE Select); 209 bases into the intron before coding-DNA position 1327, C replaced by T.
Molecular consequence: intron variant.
Genome position (GRCh38, 1-based): chr17:80,109,736, C>T. VCF-style: chr17-80109736-C-T. GRCh37 (hg19) VCF-style: chr17-78083535-C-T.
Other names: c.1327-209C>T (NM_001406741.1, NM_001406742.1, NM_001079803.3 and 1 more transcripts).
Identifiers: ClinVar variation 4876593 (VCV004876593.1).
Genomic context (GRCh38, chr17:80,109,736, plus strand): 5'-AACACTTGGGAAACTCTAGAGGTTTAAAGAAAAGGTAAAGGTAAAGCTTCCATTCCGGCG[C>T]GCCCCTCATCAGCCAGCTGGTCCTGACTCGCCCGGCCCTGGCTCCTCTCCAGGCAGGCGT-3'